The following is an entry in ClinVar:

NM_022773.4(LMF1):c.178C>G (p.Leu60Val)

Genes: LMF1 (lipase maturation factor 1; minus strand), LOC130058141 (ATAC-STARR-seq lymphoblastoid silent region 6962; plus strand). Cytogenetic location: 16p13.3.
Variant type: single nucleotide variant.
Coding change: c.178C>G on transcript NM_022773.4 (MANE Select); coding-DNA position 178, C replaced by G.
Protein change: p.Leu60Val; replaces leucine 60 with valine.
Molecular consequence: missense variant. On other transcripts: 5 prime UTR variant (1), non-coding transcript variant (1), intron variant (3).
Genome position (GRCh38, 1-based): chr16:970,803, G>C on the plus strand (C>G on the coding strand, the complement: LMF1 is on the minus strand). VCF-style: chr16-970803-G-C. GRCh37 (hg19) VCF-style: chr16-1020803-G-C.
Other names: c.178C>G, p.Leu60Val (NM_001352020.1); c.-528C>G (NM_001352021.2); c.-135+10342C>G (NM_001352019.2); c.-611+10342C>G (NM_001352017.2); c.-362+10342C>G (NM_001352018.2); short protein forms L60V.
Identifiers: ClinVar variation 3227808 (VCV003227808.1), dbSNP rs1481813622, ClinGen allele CA394110804.

ClinVar aggregate classification (germline): Uncertain significance (1 of 4 stars; one submission).

Conditions:
Cardiovascular phenotype. Identifiers: MedGen CN230736.

gnomAD v4.1: 2 of 1,540,002 alleles (0.00013%); highest among the groups gnomAD compares: Non-Finnish European, 0.00018%; no homozygotes.

Submission:

Ambry Genetics
Classification: Uncertain significance for Cardiovascular phenotype. Last evaluated: 2023-11-08. Review status: criteria provided, single submitter. Criteria: Ambry Variant Classification Scheme 2023. Collection method: clinical testing. Allele origin: germline.
Comment: The p.L60V variant (also known as c.178C>G), located in coding exon 1 of the LMF1 gene, results from a C to G substitution at nucleotide position 178. The leucine at codon 60 is replaced by valine, an amino acid with highly similar properties. This amino acid position is conserved. In addition, this alteration is predicted to be tolerated by in silico analysis. Since supporting evidence is limited at this time, the clinical significance of this alteration remains unclear.